The following is an entry in ClinVar:

ClinVar aggregate classification (germline): Conflicting classifications of pathogenicity. Review status: criteria provided, conflicting classifications (1 of 4 stars). 5 submissions from 5 submitters: Uncertain significance (4); Likely benign (1). Last evaluated 2026-02-14.

Conditions:
TECTA-related disorder. Also called: TECTA-related condition.

Allele frequency attached by ClinVar (database versions not stated): gnomAD exomes 0.00001 and below 0.00001; TOPMed 0.00004; gnomAD 0.00001.
gnomAD v4.1: 5 of 1,613,990 alleles (0.00031%); highest among the groups gnomAD compares: Admixed American, 0.0067%; no homozygotes.

Submissions (5):

PreventionGenetics, part of Exact Sciences
Classification: Uncertain significance for TECTA-related condition. Last evaluated: 2026-02-14. Review status: criteria provided, single submitter. Criteria: ACMG Guidelines, 2015. Collection method: clinical testing. Allele origin: germline.
Comment: The TECTA c.1871C>T variant is predicted to result in the amino acid substitution p.Ala624Val. To our knowledge, this variant has not been reported in the literature. This variant is reported in 0.0029% of alleles in individuals of Latino descent in gnomAD. At this time, the clinical significance of this variant is uncertain due to the absence of conclusive functional and genetic evidence.

GeneDx
Classification: Uncertain significance. Last evaluated: 2024-09-06. Review status: criteria provided, single submitter. Criteria: GeneDx Variant Classification Process June 2021. Collection method: clinical testing. Allele origin: germline. Affected: yes.
Comment: Not observed at significant frequency in large population cohorts (gnomAD); In silico analysis indicates that this missense variant does not alter protein structure/function; Has not been previously published as pathogenic or benign to our knowledge; This variant is associated with the following publications: (PMID: 21520338, 31554319, 9590290)

Labcorp Genetics (formerly Invitae), Labcorp
Classification: Uncertain significance. Last evaluated: 2024-04-02. Review status: criteria provided, single submitter. Criteria: Invitae Variant Classification Sherloc (09022015). Collection method: clinical testing. Allele origin: germline.
Comment: This sequence change replaces alanine, which is neutral and non-polar, with valine, which is neutral and non-polar, at codon 624 of the TECTA protein (p.Ala624Val). This variant is present in population databases (no rsID available, gnomAD 0.003%). This variant has not been reported in the literature in individuals affected with TECTA-related conditions. ClinVar contains an entry for this variant (Variation ID: 505762). Advanced modeling of protein sequence and biophysical properties (such as structural, functional, and spatial information, amino acid conservation, physicochemical variation, residue mobility, and thermodynamic stability) performed at Invitae indicates that this missense variant is not expected to disrupt TECTA protein function with a negative predictive value of 95%. In summary, the available evidence is currently insufficient to determine the role of this variant in disease. Therefore, it has been classified as a Variant of Uncertain Significance.

Blueprint Genetics
Classification: Uncertain significance. Last evaluated: 2020-06-26. Review status: criteria provided, single submitter. Criteria: ACMG Guidelines, 2015. Collection method: clinical testing. Allele origin: germline.

Laboratory for Molecular Medicine, Mass General Brigham Personalized Medicine
Classification: Likely benign. Last evaluated: 2017-06-22. Review status: criteria provided, single submitter. Criteria: LMM Criteria. Collection method: clinical testing. Allele origin: germline. Observed: 1 variant allele.
Comment: p.Ala624Val in exon 8 of TECTA: This variant is not expected to have clinical si gnificance due to a lack of conservation across species, including mammals. Of n ote, four mammals (Tibetan antelope, cow, sheep, domestic goat) have a valine (V al) at this position despite high nearby amino acid conservation. It has also be en identified in 1/33566 Latino chromosomes by the Genome Aggregation Database ( gnomAD)

NM_005422.4(TECTA):c.1871C>T (p.Ala624Val)

Genes: TBCEL-TECTA (TBCEL-TECTA readthrough; plus strand), TECTA (tectorin alpha; plus strand). Cytogenetic location: 11q23.3.
Variant type: single nucleotide variant.
Coding change: c.1871C>T on transcript NM_005422.4 (MANE Select); coding-DNA position 1871, C replaced by T.
Protein change: p.Ala624Val; replaces alanine 624 with valine.
Molecular consequence: missense variant.
Genome position (GRCh38, 1-based): chr11:121,127,848, C>T. VCF-style: chr11-121127848-C-T. GRCh37 (hg19) VCF-style: chr11-120998557-C-T.
Other names: c.2828C>T, p.Ala943Val (NM_001378761.1); short protein forms A624V, A943V.
Identifiers: ClinVar variation 505762 (VCV000505762.10), dbSNP rs1248649998, ClinGen allele CA383013437.